The following is an entry in ClinVar:

NM_000124.4(ERCC6):c.454A>T (p.Lys152Ter)

Gene: ERCC6 (ERCC excision repair 6, chromatin remodeling factor; minus strand). Cytogenetic location: 10q11.23.
Variant type: single nucleotide variant.
Coding change: c.454A>T on transcript NM_000124.4 (MANE Select); coding-DNA position 454, A replaced by T.
Protein change: p.Lys152Ter; replaces lysine 152 with a stop codon.
Molecular consequence: nonsense.
Genome position (GRCh38, 1-based): chr10:49,530,809, T>A on the plus strand (A>T on the coding strand, the complement: ERCC6 is on the minus strand). VCF-style: chr10-49530809-T-A. GRCh37 (hg19) VCF-style: chr10-50738855-T-A.
Other names: c.454A>T, p.Lys152Ter (NM_001277058.2, NM_001277059.2, NM_001346440.2); short protein forms K152*.
Identifiers: ClinVar variation 1725790 (VCV001725790.2), dbSNP rs2496167334, ClinGen allele CA376710609.
Genomic context (GRCh38, chr10:49,530,809, plus strand): 5'-CTAGTTTCCTGTTGATGTCTCTGCTGGTGGCAGCTTGAGGGCTAAGCTGTTCAATAATTT[T>A]ATTGATTTGCCTTAGGGATGTCGTACATGACCTGAAAAATAAGATAAATTGTCTATTTTG-3'

ClinVar aggregate classification (germline): Likely pathogenic (1 of 4 stars; one submission).

Conditions:
Cockayne syndrome type 2 (CSB). Also called: COCKAYNE SYNDROME B; Cockayne Syndrome, Type II. Identifiers: Orphanet 191, Orphanet 90322, MedGen C0751038, MONDO:0019570, OMIM 133540.

Submission:

Myriad Genetics, Inc.
Classification: Likely pathogenic for Cockayne syndrome type 2. Last evaluated: 2022-04-01. Review status: criteria provided, single submitter. Criteria: Myriad Women's Health Autosomal Recessive and X-Linked Classification Criteria (2021). Collection method: clinical testing. Allele origin: unknown.
Comment: NM_000124.2(ERCC6):c.454A>T(K152*) is expected to be pathogenic in the context of ERCC6-related disorders. This variant is predicted to lead to an abnormal or absent protein product due to the creation of a premature termination codon in ERCC6, a gene where loss-of-function variants are known to be pathogenic. Please note: this variant was assessed in the context of healthy population screening.